The following is an entry in ClinVar:

ClinVar aggregate classification (germline): Likely benign. Review status: criteria provided, multiple submitters, no conflicts (2 of 4 stars). 2 submissions from 2 submitters: Likely benign (2). Last evaluated 2026-09-01.

Submissions (2):

CeGaT Center for Human Genetics Tuebingen
Classification: Likely benign. Last evaluated: 2026-09-01. Review status: criteria provided, single submitter. Criteria: CeGaT Center For Human Genetics Tuebingen Variant Classification Criteria Version 2. Collection method: clinical testing. Allele origin: germline. Affected: yes. Observed: 1 variant allele.
Comment: LAMA1: PM2:Supporting, BP4, BP7

Labcorp Genetics (formerly Invitae), Labcorp
Classification: Likely benign. Last evaluated: 2022-09-01. Review status: criteria provided, single submitter. Criteria: Invitae Variant Classification Sherloc (09022015). Collection method: clinical testing. Allele origin: germline.

NM_005559.4(LAMA1):c.1872G>A (p.Glu624=)

Gene: LAMA1 (laminin subunit alpha 1; minus strand). Cytogenetic location: 18p11.31.
Variant type: single nucleotide variant.
Coding change: c.1872G>A on transcript NM_005559.4 (MANE Select); coding-DNA position 1872, G replaced by A.
Protein change: p.Glu624=; no amino-acid change (glutamic acid 624 retained).
Molecular consequence: synonymous variant.
Genome position (GRCh38, 1-based): chr18:7,034,658, C>T on the plus strand (G>A on the coding strand, the complement: LAMA1 is on the minus strand). VCF-style: chr18-7034658-C-T. GRCh37 (hg19) VCF-style: chr18-7034657-C-T.
Identifiers: ClinVar variation 2009001 (VCV002009001.5), dbSNP rs2144167447, ClinGen allele CA502465913.